The following is an entry in ClinVar:

NM_000092.5(COL4A4):c.3392G>T (p.Cys1131Phe)

Gene: COL4A4 (collagen type IV alpha 4 chain; minus strand). Cytogenetic location: 2q36.3.
Variant type: single nucleotide variant.
Coding change: c.3392G>T on transcript NM_000092.5 (MANE Select); coding-DNA position 3392, G replaced by T.
Protein change: p.Cys1131Phe; replaces cysteine 1131 with phenylalanine.
Molecular consequence: missense variant.
Genome position (GRCh38, 1-based): chr2:227,043,082, C>A on the plus strand (G>T on the coding strand, the complement: COL4A4 is on the minus strand). VCF-style: chr2-227043082-C-A. GRCh37 (hg19) VCF-style: chr2-227907798-C-A.
Other names: short protein forms C1131F.
Identifiers: ClinVar variation 3616044 (VCV003616044.2).

ClinVar aggregate classification (germline): Uncertain significance (1 of 4 stars; one submission).

gnomAD v4.1: 1 of 1,611,822 alleles (0.000062%); highest among the groups gnomAD compares: Admixed American, 0.0017%; no homozygotes.

Submission:

Labcorp Genetics (formerly Invitae), Labcorp
Classification: Uncertain significance. Last evaluated: 2024-12-15. Review status: criteria provided, single submitter. Criteria: Invitae Variant Classification Sherloc (09022015). Collection method: clinical testing. Allele origin: germline.
Comment: This sequence change replaces cysteine, which is neutral and slightly polar, with phenylalanine, which is neutral and non-polar, at codon 1131 of the COL4A4 protein (p.Cys1131Phe). This variant is present in population databases (no rsID available, gnomAD 0.003%). This variant has not been reported in the literature in individuals affected with COL4A4-related conditions. Invitae Evidence Modeling of protein sequence and biophysical properties (such as structural, functional, and spatial information, amino acid conservation, physicochemical variation, residue mobility, and thermodynamic stability) indicates that this missense variant is not expected to disrupt COL4A4 protein function with a negative predictive value of 95%. In summary, the available evidence is currently insufficient to determine the role of this variant in disease. Therefore, it has been classified as a Variant of Uncertain Significance.